The following is an entry in ClinVar:

NM_001372044.2(SHANK3):c.312C>A (p.Ala104=)

Gene: SHANK3 (SH3 and multiple ankyrin repeat domains 3; plus strand). Cytogenetic location: 22q13.33.
Variant type: single nucleotide variant.
Coding change: c.312C>A on transcript NM_001372044.2 (MANE Select); coding-DNA position 312, C replaced by A.
Protein change: p.Ala104=; no amino-acid change (alanine 104 retained).
Molecular consequence: synonymous variant.
Genome position (GRCh38, 1-based): chr22:50,675,071, C>A. VCF-style: chr22-50675071-C-A. GRCh37 (hg19) VCF-style: chr22-51113499-C-A.
Other names: c.87C>A, p.Ala29= (NM_033517.1).
Identifiers: ClinVar variation 3026391 (VCV003026391.22), dbSNP rs936114495, ClinGen allele CA325556854.
Genomic context (GRCh38, chr22:50,675,071, plus strand): 5'-TCCCGGGACCTGAGCTCACGAGCCCGCTCCGCTGCAGAAGTGCCTGCGCCTGGACCCGGC[C>A]GCGCCCGTGTGGGCCGCCAAGCAGCGCGTGCTCTGCGCCCTCAACCACAGCCTCCAGGAC-3'
Protein context (NP_001358973.1, residues 94-114): QQTKCLRLDP[Ala104=]APVWAAKQRV

ClinVar aggregate classification (germline): Likely benign (1 of 4 stars; one submission).

Allele frequency attached by ClinVar (database versions not stated): gnomAD 0.00001.

Submission:

CeGaT Center for Human Genetics Tuebingen
Classification: Likely benign. Last evaluated: 2024-03-01. Review status: criteria provided, single submitter. Criteria: CeGaT Center For Human Genetics Tuebingen Variant Classification Criteria Version 2. Collection method: clinical testing. Allele origin: germline. Affected: yes. Observed: 2 variant alleles.
Comment: SHANK3: BP4, BP7